The following is an entry in ClinVar:

NM_000260.4(MYO7A):c.5043+8G>A

Gene: MYO7A (myosin VIIA; plus strand). Cytogenetic location: 11q13.5.
Variant type: single nucleotide variant.
Coding change: c.5043+8G>A on transcript NM_000260.4 (MANE Select); 8 bases into the intron after coding-DNA position 5043, G replaced by A.
Molecular consequence: intron variant.
Genome position (GRCh38, 1-based): chr11:77,201,646, G>A. VCF-style: chr11-77201646-G-A. GRCh37 (hg19) VCF-style: chr11-76912691-G-A.
Other names: c.5043+8G>A (NM_000260.3); c.4896+8G>A (NM_001369365.1); c.4929+8G>A (NM_001127180.2).
Identifiers: ClinVar variation 1144925 (VCV001144925.12), dbSNP rs1957072020, ClinGen allele CA1984124575.

ClinVar aggregate classification (germline): Likely benign. Review status: criteria provided, single submitter (1 of 4 stars). 2 submissions from 2 submitters: Likely benign (1). 1 of the submissions does not count toward it. Last evaluated 2026-01-09.

Conditions:
MYO7A-related disorder. Also called: MYO7A-related disorders.

Allele frequency attached by ClinVar (database versions not stated): TOPMed below 0.00001.
gnomAD v4.1: 13 of 1,610,660 alleles (0.00081%); highest among the groups gnomAD compares: Non-Finnish European, 0.0011%; no homozygotes.

Submissions (2):

Labcorp Genetics (formerly Invitae), Labcorp
Classification: Likely benign. Last evaluated: 2026-01-09. Review status: criteria provided, single submitter. Criteria: Invitae Variant Classification Sherloc (09022015). Collection method: clinical testing. Allele origin: germline.

PreventionGenetics, part of Exact Sciences
Classification: Likely benign for MYO7A-related condition. Last evaluated: 2019-08-06. Review status: no assertion criteria provided. Collection method: clinical testing. Allele origin: germline. Not counted in ClinVar's aggregate classification.
Comment: This variant is classified as likely benign based on ACMG/AMP sequence variant interpretation guidelines (Richards et al. 2015 PMID: 25741868, with internal and published modifications).